The following is an entry in ClinVar:

ClinVar aggregate classification (germline): Pathogenic/Likely pathogenic. Review status: criteria provided, multiple submitters, no conflicts (2 of 4 stars). 2 submissions from 2 submitters: Pathogenic (1); Likely pathogenic (1). Last evaluated 2024-07-10.

Conditions:
Junctional epidermolysis bullosa. Identifiers: Orphanet 305, MedGen C0079301, MONDO:0017612.
Abnormality of the skin. Identifiers: MedGen C5848159, HP:0000951.

Submissions (2):

Myriad Genetics, Inc.
Classification: Pathogenic for Junctional epidermolysis bullosa. Last evaluated: 2024-07-10. Review status: criteria provided, single submitter. Criteria: Myriad Autosomal Dominant, Autosomal Recessive and X-Linked Classification Criteria (2023). Collection method: clinical testing. Allele origin: unknown.
Comment: NM_000228.2(LAMB3):c.2582C>A(S861*) is expected to be pathogenic in the context of junctional epidermolysis bullosa, LAMB3-related. This variant is predicted to lead to an abnormal or absent protein product due to the creation of a premature termination codon in LAMB3, a gene where loss-of-function variants are known to be pathogenic. Please note: this variant was assessed in the context of healthy population screening.

Kariminejad - Najmabadi Pathology & Genetics Center
Classification: Likely pathogenic for Abnormality of the skin. Last evaluated: 2021-07-10. Review status: criteria provided, single submitter. Criteria: ACMG Guidelines, 2015. Collection method: clinical testing. Allele origin: germline.

NM_000228.3(LAMB3):c.2582C>A (p.Ser861Ter)

Gene: LAMB3 (laminin subunit beta 3; minus strand). Cytogenetic location: 1q32.2.
Variant type: single nucleotide variant.
Coding change: c.2582C>A on transcript NM_000228.3 (MANE Select); coding-DNA position 2582, C replaced by A.
Protein change: p.Ser861Ter; replaces serine 861 with a stop codon.
Molecular consequence: nonsense.
Genome position (GRCh38, 1-based): chr1:209,622,655, G>T on the plus strand (C>A on the coding strand, the complement: LAMB3 is on the minus strand). VCF-style: chr1-209622655-G-T. GRCh37 (hg19) VCF-style: chr1-209796000-G-T.
Other names: c.2582C>A, p.Ser861Ter (NM_001017402.2, NM_001127641.1); short protein forms S861*.
Identifiers: ClinVar variation 1180728 (VCV001180728.2), dbSNP rs145464247, ClinGen allele CA344587558.